The following is an entry in ClinVar:

NM_000426.4(LAMA2):c.3296A>T (p.Asn1099Ile)

Gene: LAMA2 (laminin subunit alpha 2; plus strand). Cytogenetic location: 6q22.33.
Variant type: single nucleotide variant.
Coding change: c.3296A>T on transcript NM_000426.4 (MANE Select); coding-DNA position 3296, A replaced by T.
Protein change: p.Asn1099Ile; replaces asparagine 1099 with isoleucine.
Molecular consequence: missense variant.
Genome position (GRCh38, 1-based): chr6:129,312,982, A>T. VCF-style: chr6-129312982-A-T. GRCh37 (hg19) VCF-style: chr6-129634127-A-T.
Other names: p.Asn1099Ile; c.3296A>T, p.Asn1099Ile (NM_001079823.2); short protein forms N1099I.
Identifiers: ClinVar variation 3379711 (VCV003379711.1).

ClinVar aggregate classification (germline): Uncertain significance (1 of 4 stars; one submission).

Submission:

Mayo Clinic Laboratories, Mayo Clinic
Classification: Uncertain significance. Last evaluated: 2024-07-10. Review status: criteria provided, single submitter. Criteria: ACMG Guidelines, 2015. Collection method: clinical testing. Allele origin: germline. Observed: 1 variant allele.
Comment: PM2